The following is an entry in ClinVar:

ClinVar aggregate classification (germline): Uncertain significance. Review status: criteria provided, multiple submitters, no conflicts (2 of 4 stars). 3 submissions from 3 submitters: Uncertain significance (3). Last evaluated 2026-01-22.

Conditions:
Multiple endocrine neoplasia, type 2 (MEN2). Identifiers: Orphanet 653, MedGen C4048306, MONDO:0019003. Disease mechanism: gain of function.
Multiple endocrine neoplasia type 2B. Also called: Multiple endocrine neoplasia, type 3; MEN 2B; MULTIPLE ENDOCRINE NEOPLASIA, TYPE IIB; MUCOSAL NEUROMA SYNDROME; Multiple Endocrine Neoplasia Type 2B (MEN2B); MEN IIB. Identifiers: Orphanet 247709, Orphanet 653, MedGen C0025269, MeSH D018814, MONDO:0008082, OMIM 162300.
Hirschsprung disease, susceptibility to, 1 (HSCR1). Also called: RET-Related Hirschsprung Disease. Identifiers: Orphanet 388, MedGen C3888239, MONDO:0007723, OMIM 142623.
Pheochromocytoma. Also called: MAX-Related Hereditary Paraganglioma-Pheochromocytoma Syndrome. Identifiers: Orphanet 29072, MedGen C0031511, MONDO:0008233, OMIM 171300, HP:0002666.
Multiple endocrine neoplasia type 2A. Also called: MULTIPLE ENDOCRINE NEOPLASIA, TYPE IIA; PTC SYNDROME; SIPPLE SYNDROME; MEN 2A; MEN-2A syndrome; Pheochromocytoma and amyloid producing medullary thyroid carcinoma. Identifiers: Orphanet 247698, Orphanet 653, MedGen C0025268, MeSH D018813, MONDO:0008234, OMIM 171400.
Familial medullary thyroid carcinoma (MTC). Also called: Thyroid cancer, familial medullary; MTC, familial; Familial Medullary Thyroid Carcinoma (FMTC). Identifiers: Orphanet 653, Orphanet 99361, MedGen C1833921, MONDO:0007958, OMIM 155240.
Hereditary cancer-predisposing syndrome. Also called: Hereditary Cancer Syndrome; Hereditary neoplastic syndrome; Tumor predisposition; Neoplastic Syndromes, Hereditary. Identifiers: Orphanet 140162, MedGen C0027672, MeSH D009386, MONDO:0015356.

Submissions (3):

Ambry Genetics
Classification: Uncertain significance for Hereditary cancer-predisposing syndrome. Last evaluated: 2026-01-22. Review status: criteria provided, single submitter. Criteria: Ambry Variant Classification Scheme 2023. Collection method: clinical testing. Allele origin: germline.
Comment: The p.Q327P variant (also known as c.980A>C), located in coding exon 5 of the RET gene, results from an A to C substitution at nucleotide position 980. The glutamine at codon 327 is replaced by proline, an amino acid with similar properties. This amino acid position is conserved. In addition, the in silico prediction for this alteration is inconclusive. Based on the available evidence, the clinical significance of this variant remains unclear.

Fulgent Genetics
Classification: Uncertain significance for Hirschsprung disease, susceptibility to, 1; Familial medullary thyroid carcinoma; Multiple endocrine neoplasia type 2B; Pheochromocytoma; Multiple endocrine neoplasia type 2A. Last evaluated: 2024-04-12. Review status: criteria provided, single submitter. Criteria: ACMG Guidelines, 2015. Collection method: clinical testing. Allele origin: germline.

Labcorp Genetics (formerly Invitae), Labcorp
Classification: Uncertain significance for Multiple endocrine neoplasia, type 2. Last evaluated: 2019-05-04. Review status: criteria provided, single submitter. Criteria: Invitae Variant Classification Sherloc (09022015). Collection method: clinical testing. Allele origin: germline.
Comment: In summary, the available evidence is currently insufficient to determine the role of this variant in disease. Therefore, it has been classified as a Variant of Uncertain Significance. Algorithms developed to predict the effect of missense changes on protein structure and function (SIFT, PolyPhen-2, Align-GVGD) all suggest that this variant is likely to be tolerated, but these predictions have not been confirmed by published functional studies and their clinical significance is uncertain. This variant has not been reported in the literature in individuals with RET-related conditions. This variant is not present in population databases (ExAC no frequency). This sequence change replaces glutamine with proline at codon 327 of the RET protein (p.Gln327Pro). The glutamine residue is weakly conserved and there is a moderate physicochemical difference between glutamine and proline.

NM_020975.6(RET):c.980A>C (p.Gln327Pro)

Gene: RET (ret proto-oncogene; plus strand). Cytogenetic location: 10q11.21.
Variant type: single nucleotide variant.
Coding change: c.980A>C on transcript NM_020975.6 (MANE Select); coding-DNA position 980, A replaced by C.
Protein change: p.Gln327Pro; replaces glutamine 327 with proline.
Molecular consequence: missense variant.
Genome position (GRCh38, 1-based): chr10:43,106,488, A>C. VCF-style: chr10-43106488-A-C. GRCh37 (hg19) VCF-style: chr10-43601936-A-C.
Other names: c.218A>C, p.Gln73Pro (NM_001355216.2); c.980A>C, p.Gln327Pro (NM_001406743.1, NM_001406744.1, NM_001406759.1 and 6 more transcripts); c.851A>C, p.Gln284Pro (NM_001406761.1, NM_001406762.1, NM_001406764.1 and 1 more transcripts); c.692A>C, p.Gln231Pro (NM_001406766.1, NM_001406767.1, NM_001406770.1); short protein forms Q327P, Q73P, Q231P, Q284P.
Identifiers: ClinVar variation 946687 (VCV000946687.12), dbSNP rs1837781306, ClinGen allele CA376546220.
Genomic context (GRCh38, chr10:43,106,488, plus strand): 5'-CAGGGGAGCTGGTGAGGCGGTACACAAGCACGCTGCTCCCCGGGGACACCTGGGCCCAGC[A>C]GACCTTCCGGGTGGAACACTGGCCCAACGAGACCTCGGTCCAGGCCAACGGCAGCTTCGT-3'
Protein context (NP_066124.1, residues 317-337): TLLPGDTWAQ[Gln327Pro]TFRVEHWPNE